The following is an entry in ClinVar:

ClinVar aggregate classification (germline): Uncertain significance (1 of 4 stars; one submission).

Conditions:
Cardiovascular phenotype. Identifiers: MedGen CN230736.

Allele frequency attached by ClinVar (database versions not stated): gnomAD exomes below 0.00001.
gnomAD v4.1: 1 of 1,614,214 alleles (0.000062%); highest among the groups gnomAD compares: Non-Finnish European, 0.000085%; no homozygotes.

Submission:

Ambry Genetics
Classification: Uncertain significance for Cardiovascular phenotype. Last evaluated: 2022-05-30. Review status: criteria provided, single submitter. Criteria: Ambry Variant Classification Scheme 2023. Collection method: clinical testing. Allele origin: germline.
Comment: The p.H539N variant (also known as c.1615C>A), located in coding exon 6 of the KCND3 gene, results from a C to A substitution at nucleotide position 1615. The histidine at codon 539 is replaced by asparagine, an amino acid with similar properties. This amino acid position is conserved. In addition, this alteration is predicted to be tolerated by in silico analysis. Since supporting evidence is limited at this time, the clinical significance of this alteration remains unclear.

NM_001378969.1(KCND3):c.1615C>A (p.His539Asn)

Gene: KCND3 (potassium voltage-gated channel subfamily D member 3; minus strand). Cytogenetic location: 1p13.2.
Variant type: single nucleotide variant.
Coding change: c.1615C>A on transcript NM_001378969.1 (MANE Select); coding-DNA position 1615, C replaced by A.
Protein change: p.His539Asn; replaces histidine 539 with asparagine.
Molecular consequence: missense variant.
Genome position (GRCh38, 1-based): chr1:111,777,177, G>T on the plus strand (C>A on the coding strand, the complement: KCND3 is on the minus strand). VCF-style: chr1-111777177-G-T. GRCh37 (hg19) VCF-style: chr1-112319799-G-T.
Other names: c.1558C>A, p.His520Asn (NM_001378970.1, NM_172198.3); c.1615C>A, p.His539Asn (NM_004980.5); short protein forms H539N, H520N.
Identifiers: ClinVar variation 1776473 (VCV001776473.2), dbSNP rs2524994793, ClinGen allele CA341657205.